The following is an entry in ClinVar:

NM_001184880.2(PCDH19):c.535A>T (p.Lys179Ter)

Gene: PCDH19 (protocadherin 19; minus strand). Cytogenetic location: Xq22.1.
Variant type: single nucleotide variant.
Coding change: c.535A>T on transcript NM_001184880.2 (MANE Select); coding-DNA position 535, A replaced by T.
Protein change: p.Lys179Ter; replaces lysine 179 with a stop codon.
Molecular consequence: nonsense.
Genome position (GRCh38, 1-based): chrX:100,408,063, T>A on the plus strand (A>T on the coding strand, the complement: PCDH19 is on the minus strand). VCF-style: chrX-100408063-T-A. GRCh37 (hg19) VCF-style: chrX-99663061-T-A.
Other names: c.535A>T, p.Lys179Ter (NM_001105243.2, NM_020766.3); short protein forms K179*.
Identifiers: ClinVar variation 649112 (VCV000649112.7), dbSNP rs1602637774, ClinGen allele CA414009391.
Genomic context (GRCh38, chrX:100,408,063, plus strand): 5'-CGCGGTCCAGGCTCTTTTCCACCACGAGTTCGGCAAAGCGGGAGCCGTCGCCGCGCGTCT[T>A]GATCTCCAGGCCGAACAGCTCGTTGGGCGTGAGCTCGTAAGTCTGCACGCCAAAGCTTCC-3'

ClinVar aggregate classification (germline): Pathogenic (1 of 4 stars; one submission).

Conditions:
Developmental and epileptic encephalopathy, 9 (DEE9). Also called: Early infantile epileptic encephalopathy 9; PCDH19-Related X-Linked Female-Limited Epilepsy with Mental Retardation; EPILEPSY, FEMALE-RESTRICTED, WITH MENTAL RETARDATION; JUBERG-HELLMAN SYNDROME. Identifiers: Orphanet 101039, Orphanet 2076, MedGen C1848137, MONDO:0010246, OMIM 300088. Disease mechanism: loss of function.

Submission:

Labcorp Genetics (formerly Invitae), Labcorp
Classification: Pathogenic for Developmental and epileptic encephalopathy, 9. Last evaluated: 2018-09-04. Review status: criteria provided, single submitter. Criteria: Invitae Variant Classification Sherloc (09022015). Collection method: clinical testing. Allele origin: germline.
Comment: This sequence change creates a premature translational stop signal (p.Lys179*) in the PCDH19 gene. It is expected to result in an absent or disrupted protein product. This variant is not present in population databases (ExAC no frequency). This variant has not been reported in the literature in individuals with PCDH19-related disease. Loss-of-function variants in PCDH19 are known to be pathogenic (PMID: 21053371). For these reasons, this variant has been classified as Pathogenic.

Literature cited by the submitters: PubMed 21053371.